The following is an entry in ClinVar:

NM_002887.4(RARS1):c.1361C>T (p.Thr454Ile)

Gene: RARS1 (arginyl-tRNA synthetase 1; plus strand). Cytogenetic location: 5q34.
Variant type: single nucleotide variant.
Coding change: c.1361C>T on transcript NM_002887.4 (MANE Select); coding-DNA position 1361, C replaced by T.
Protein change: p.Thr454Ile; replaces threonine 454 with isoleucine.
Molecular consequence: missense variant.
Genome position (GRCh38, 1-based): chr5:168,510,595, C>T. VCF-style: chr5-168510595-C-T. GRCh37 (hg19) VCF-style: chr5-167937600-C-T.
Other names: short protein forms T454I.
Identifiers: ClinVar variation 1680434 (VCV001680434.8), dbSNP rs540879090, ClinGen allele CA3549908.

ClinVar aggregate classification (germline): Uncertain significance (1 of 4 stars; one submission).

Allele frequency attached by ClinVar (database versions not stated): TOPMed below 0.00001; gnomAD exomes 0.00002; ExAC 0.00003; 1000 Genomes Project 0.00020; 1000 Genomes Project 30x 0.00031.
gnomAD v4.1: 8 of 1,607,586 alleles (0.0005%); highest among the groups gnomAD compares: Admixed American, 0.0035%; no homozygotes.

Submission:

Labcorp Genetics (formerly Invitae), Labcorp
Classification: Uncertain significance. Last evaluated: 2024-03-04. Review status: criteria provided, single submitter. Criteria: Invitae Variant Classification Sherloc (09022015). Collection method: clinical testing. Allele origin: germline.
Comment: This sequence change replaces threonine, which is neutral and polar, with isoleucine, which is neutral and non-polar, at codon 454 of the RARS protein (p.Thr454Ile). This variant is present in population databases (rs540879090, gnomAD 0.006%). This variant has not been reported in the literature in individuals affected with RARS-related conditions. ClinVar contains an entry for this variant (Variation ID: 1680434). Advanced modeling of protein sequence and biophysical properties (such as structural, functional, and spatial information, amino acid conservation, physicochemical variation, residue mobility, and thermodynamic stability) performed at Invitae indicates that this missense variant is expected to disrupt RARS protein function with a positive predictive value of 80%. In summary, the available evidence is currently insufficient to determine the role of this variant in disease. Therefore, it has been classified as a Variant of Uncertain Significance.